The following is an entry in ClinVar:

ClinVar aggregate classification (germline): Pathogenic. Review status: reviewed by expert panel (3 of 4 stars). 6 submissions from 6 submitters: Pathogenic (1). 5 of the submissions do not count toward it. Last evaluated 2023-08-04.

Conditions:
CDH1-related diffuse gastric and lobular breast cancer syndrome. Also called: CDH1-related diffuse gastric and lobular breast cancer. Identifiers: MedGen CN311521, MONDO:0100488.
Gastric cancer. Also called: Stomach cancer; Malignant tumor of stomach. Identifiers: MedGen C0024623, MeSH D013274, MONDO:0001056, OMIM 613659, HP:0012126.
Hereditary cancer-predisposing syndrome. Also called: Neoplastic Syndromes, Hereditary; Tumor predisposition; Hereditary neoplastic syndrome; Hereditary Cancer Syndrome. Identifiers: Orphanet 140162, MedGen C0027672, MeSH D009386, MONDO:0015356.
Breast lobular carcinoma. Also called: BREAST CANCER, LOBULAR, SOMATIC; Breast cancer, lobular. Identifiers: MedGen C0206692, MONDO:0000552.
Hereditary diffuse gastric adenocarcinoma (HDGC). Also called: DIFFUSE GASTRIC AND LOBULAR BREAST CANCER SYNDROME. Identifiers: Orphanet 26106, MedGen C1708349, MONDO:0007648, OMIM 137215.

Submissions (6):

Clingen Gastric Cancer Variant Curation Expert Panel
Classification: Pathogenic for CDH1-related diffuse gastric and lobular breast cancer syndrome. Last evaluated: 2023-08-04. Review status: reviewed by expert panel. Criteria: ClinGen CDH1 ACMG Specifications V3.1. Collection method: curation. Allele origin: germline. Inheritance: Autosomal dominant inheritance.
Comment: The c.781G>T (p.Glu261Ter) variant is predicted to result in a premature stop codon that leads to nonsense mediate decay (PVS1 and PM5_supporting). The variant is absent in the gnomAD cohort (PM2_supporting). Therefore, this variant meets criteria to be classified as pathogenic based on the ACMG/AMP criteria applied as specified by the CDH1 Variant Curation Expert Panel (CDH1 VCEP specifications version 3.1): PVS1, PM2_supporting, PM5_supporting.

European Reference Network on Genetic Tumour Risk Syndromes (ERN-GENTURIS), i3s - Instituto de Investigação e Inovação em Saúde, University of Porto
Classification: Pathogenic for Hereditary diffuse gastric adenocarcinoma. Last evaluated: 2022-08-01. Review status: criteria provided, single submitter. Criteria: Lee et al. (Hum Mutat. 2018). Collection method: clinical testing. Allele origin: germline. Inheritance: Autosomal dominant inheritance. Affected: yes. Study: ERN GENTURIS. Not counted in ClinVar's aggregate classification.
Comment: PVS1; PS4_Moderate; PM2 (PMID: 30311375)

Labcorp Genetics (formerly Invitae), Labcorp
Classification: Pathogenic for Hereditary diffuse gastric adenocarcinoma. Last evaluated: 2021-04-11. Review status: criteria provided, single submitter. Criteria: Invitae Variant Classification Sherloc (09022015). Collection method: clinical testing. Allele origin: germline. Not counted in ClinVar's aggregate classification.
Comment: For these reasons, this variant has been classified as Pathogenic. This variant has been observed in individual(s) with lobular breast cancer (PMID: 9744472). ClinVar contains an entry for this variant (Variation ID: 12234). This variant is not present in population databases (ExAC no frequency). This sequence change creates a premature translational stop signal (p.Glu261*) in the CDH1 gene. It is expected to result in an absent or disrupted protein product. Loss-of-function variants in CDH1 are known to be pathogenic (PMID: 15235021, 20373070).

Ambry Genetics
Classification: Pathogenic for Hereditary cancer-predisposing syndrome. Last evaluated: 2020-09-09. Review status: criteria provided, single submitter. Criteria: Ambry Variant Classification Scheme 2023. Collection method: clinical testing. Allele origin: germline. Not counted in ClinVar's aggregate classification.
Comment: The p.E261* pathogenic mutation (also known as c.781G>T), located in coding exon 6 of the CDH1 gene, results from a G to T substitution at nucleotide position 781. This changes the amino acid from a glutamic acid to a stop codon within coding exon 6. This alteration was previously detected in a patient with lobular breast cancer (Berx G et al. EMBO J., 1995 Dec;14:6107-15). This alteration is expected to result in loss of function by premature protein truncation or nonsense-mediated mRNA decay. As such, this alteration is interpreted as a disease-causing mutation.

Laboratory for Genotyping Development, RIKEN
Classification: Pathogenic for Gastric cancer. Last evaluated: 2021-07-01. Review status: no assertion criteria provided. Collection method: research. Allele origin: germline. Not counted in ClinVar's aggregate classification.

OMIM
Classification: Pathogenic for BREAST CANCER, LOBULAR, SOMATIC. Last evaluated: 1995-12-15. Review status: no assertion criteria provided. Collection method: literature only. Allele origin: somatic. Not counted in ClinVar's aggregate classification.

Literature cited by the submitters: PubMed 36436516 (cited by European Reference Network on Genetic Tumour Risk Syndromes (ERN-GENTURIS), i3s - Instituto de Investigação e Inovação em Saúde, University of Porto); PubMed 9744472 (cited by Labcorp Genetics (formerly Invitae), Labcorp); PubMed 15235021 (cited by Labcorp Genetics (formerly Invitae), Labcorp); PubMed 20373070 (cited by Labcorp Genetics (formerly Invitae), Labcorp); PubMed 8557030 (cited by Ambry Genetics and OMIM); PubMed 36988593 (cited by Laboratory for Genotyping Development, RIKEN).

NM_004360.5(CDH1):c.781G>T (p.Glu261Ter)

Gene: CDH1 (cadherin 1; plus strand). Cytogenetic location: 16q22.1.
Variant type: single nucleotide variant.
Coding change: c.781G>T on transcript NM_004360.5 (MANE Select); coding-DNA position 781, G replaced by T.
Protein change: p.Glu261Ter; replaces glutamic acid 261 with a stop codon.
Molecular consequence: nonsense. On other transcripts: 5 prime UTR variant (2).
Genome position (GRCh38, 1-based): chr16:68,810,290, G>T. VCF-style: chr16-68810290-G-T. GRCh37 (hg19) VCF-style: chr16-68844193-G-T.
Other names: c.781G>T, p.Glu261Ter (NM_001317184.2, LRG_301t1); c.-835G>T (NM_001317185.2); c.-1039G>T (NM_001317186.2); c.781G>T (NM_004360.4); short protein forms E261*.
Identifiers: ClinVar variation 12234 (VCV000012234.32), dbSNP rs121964873, ClinGen allele CA121997.